The following is an entry in ClinVar:

NM_152564.5(VPS13B):c.4530dup (p.Thr1511fs)

Gene: VPS13B (vacuolar protein sorting 13 homolog B; plus strand). Cytogenetic location: 8q22.2.
Variant type: Duplication.
Coding change: c.4530dup on transcript NM_152564.5 (MANE Select); coding-DNA position 4530, one base duplicated (G; older notation c.4530dupG).
Protein change: p.Thr1511fs; shifts the reading frame from threonine 1511.
Molecular consequence: frameshift variant.
Genome position (GRCh38, 1-based): chr8:99,511,409, G duplicated; the last of 2 consecutive G bases (chr8:99,511,408-99,511,409); duplicating either gives the same sequence. VCF-style (leftmost placement, unchanged base first): chr8-99511407-A-AG. GRCh37 (hg19) VCF-style: chr8-100523635-A-AG.
Other names: c.4605dup, p.Thr1536fs (NM_017890.5); short protein forms T1511fs, T1536fs.
Identifiers: ClinVar variation 4815954 (VCV004815954.1).

ClinVar aggregate classification (germline): Likely pathogenic (1 of 4 stars; one submission).

Conditions:
Cohen syndrome (COH1). Also called: PEPPER SYNDROME; Cutis verticis gyrata, retinitis pigmentosa, and sensorineural deafness. Identifiers: Orphanet 193, MedGen C0265223, MONDO:0008999, OMIM 216550.

Submission:

Natera, Inc.
Classification: Likely pathogenic for Cohen syndrome. Last evaluated: 2024-09-19. Review status: criteria provided, single submitter. Criteria: Natera Variant Classification Schema (03/2026). Collection method: clinical testing. Allele origin: germline.
Comment: The c.4605dup variant in VPS13B is a frameshift variant predicted to shift the reading frame beginning at codon 1536 and leads to a stop codon 34 codons downstream. This variant is expected to result in nonsense mediated decay, truncation, or a dysfunctional protein product. This variant is rare in the general population with a frequency below the threshold expected for the associated phenotype(s). Given the available evidence, this variant is classified as Likely Pathogenic.